The following is an entry in ClinVar:

ClinVar aggregate classification (germline): Likely pathogenic (1 of 4 stars; one submission).

Conditions:
Gaucher disease. Also called: Acute cerebral Gaucher disease; Cerebroside lipidosis syndrome; Gaucher splenomegaly; Sphingolipidosis 1; Glucocerebrosidosis; Glucosylceramidase deficiency. Identifiers: Orphanet 355, MedGen C0017205, MONDO:0018150.

Submission:

Natera, Inc.
Classification: Likely pathogenic for Gaucher disease. Last evaluated: 2025-09-03. Review status: criteria provided, single submitter. Criteria: Natera Variant Classification Schema (03/2026). Collection method: clinical testing. Allele origin: germline.
Comment: The c.1070C>A variant in GBA1 is a missense variant predicted to cause substitution of alanine to aspartic acid at amino acid 357. This variant is rare in the general population with a frequency below the threshold expected for the associated phenotype(s). This variant has been observed in one or more individuals affected with the associated recessive disease, as either homozygous or compound heterozygous with a second variant (PMID: 8547070, 34649574). This variant has been identified in one or more affected individual with a phenotype highly consistent with the associated gene (PMID: 8547070). Computational prediction algorithms indicate this variant is likely to affect gene or protein function. Given the available evidence, this variant is classified as Likely Pathogenic.

Literature cited by the submitters: PubMed 8547070; PubMed 34649574.

NM_000157.4(GBA1):c.1070C>A (p.Ala357Asp)

Genes: GBA1 (glucosylceramidase beta 1; minus strand), LOC106627981 (GBA recombination region; plus strand). Cytogenetic location: 1q22.
Variant type: single nucleotide variant.
Coding change: c.1070C>A on transcript NM_000157.4 (MANE Select); coding-DNA position 1070, C replaced by A.
Protein change: p.Ala357Asp; replaces alanine 357 with aspartic acid.
Molecular consequence: missense variant.
Genome position (GRCh38, 1-based): chr1:155,236,399, G>T on the plus strand (C>A on the coding strand, the complement: GBA1 is on the minus strand). VCF-style: chr1-155236399-G-T. GRCh37 (hg19) VCF-style: chr1-155206190-G-T.
Other names: c.1070C>A, p.Ala357Asp (NM_001005741.3, NM_001005742.3); c.809C>A, p.Ala270Asp (NM_001171811.2); c.923C>A, p.Ala308Asp (NM_001171812.2); short protein forms A270D, A308D, A357D.
Identifiers: ClinVar variation 4817664 (VCV004817664.1).
Genomic context (GRCh38, chr1:155,236,399, plus strand): 5'-GCAAAGAGCATGGTGTTGGGGAACAGGCGGTGTGTCTCCCCTAGGGTGGCTTTGGCTGGA[G>T]CCAGAAAGTCCAGGTACCAATGTACAGCAATGCCATGAACATATTTAGCTGCTTCTGGGT-3'
Protein context (NP_000148.2, residues 347-367): IAVHWYLDFL[Ala357Asp]PAKATLGETH